The following is an entry in ClinVar:

ClinVar aggregate classification (germline): Uncertain significance (1 of 4 stars; one submission).

Conditions:
Multiple endocrine neoplasia, type 2 (MEN2). Identifiers: Orphanet 653, MedGen C4048306, MONDO:0019003. Disease mechanism: gain of function.

Allele frequency attached by ClinVar (database versions not stated): ExAC below 0.00001.

Submission:

Labcorp Genetics (formerly Invitae), Labcorp
Classification: Uncertain significance for Multiple endocrine neoplasia, type 2. Last evaluated: 2020-06-10. Review status: criteria provided, single submitter. Criteria: Invitae Variant Classification Sherloc (09022015). Collection method: clinical testing. Allele origin: germline.
Comment: In summary, the available evidence is currently insufficient to determine the role of this variant in disease. Therefore, it has been classified as a Variant of Uncertain Significance. Algorithms developed to predict the effect of missense changes on protein structure and function output the following: SIFT: "Tolerated"; PolyPhen-2: "Benign"; Align-GVGD: "Class C0". The asparagine amino acid residue is found in multiple mammalian species, suggesting that this missense change does not adversely affect protein function. These predictions have not been confirmed by published functional studies and their clinical significance is uncertain. This sequence change replaces serine with asparagine at codon 110 of the RET protein (p.Ser110Asn). The serine residue is weakly conserved and there is a small physicochemical difference between serine and asparagine. The frequency data for this variant in the population databases is considered unreliable, as metrics indicate poor data quality at this position in the ExAC database. This variant has not been reported in the literature in individuals with RET-related disease.

NM_020975.6(RET):c.329G>A (p.Ser110Asn)

Gene: RET (ret proto-oncogene; plus strand). Cytogenetic location: 10q11.21.
Variant type: single nucleotide variant.
Coding change: c.329G>A on transcript NM_020975.6 (MANE Select); coding-DNA position 329, G replaced by A.
Protein change: p.Ser110Asn; replaces serine 110 with asparagine.
Molecular consequence: missense variant.
Genome position (GRCh38, 1-based): chr10:43,100,714, G>A. VCF-style: chr10-43100714-G-A. GRCh37 (hg19) VCF-style: chr10-43596162-G-A.
Other names: c.329G>A, p.Ser110Asn (NM_000323.2, NM_001406743.1, NM_001406744.1 and 34 more transcripts); short protein forms S110N.
Identifiers: ClinVar variation 566200 (VCV000566200.9), dbSNP rs764421264, ClinGen allele CA043134.
Genomic context (GRCh38, chr10:43,100,714, plus strand): 5'-AGGACACCGGCCTCCTCTACCTTAACCGGAGCCTGGACCATAGCTCCTGGGAGAAGCTCA[G>A]TGTCCGCAGTAAGGGAGCCGCCCCAACACCCACCCCGTGCCCCACCCCACCCCTTCCTCA-3'
Protein context (NP_066124.1, residues 100-120): SLDHSSWEKL[Ser110Asn]VRNRGFPLLT